The following is an entry in ClinVar:

NM_015450.3(POT1):c.626A>T (p.His209Leu)

Gene: POT1 (protection of telomeres 1; minus strand). Cytogenetic location: 7q31.33.
Variant type: single nucleotide variant.
Coding change: c.626A>T on transcript NM_015450.3 (MANE Select); coding-DNA position 626, A replaced by T.
Protein change: p.His209Leu; replaces histidine 209 with leucine.
Molecular consequence: missense variant. On other transcripts: non-coding transcript variant (3).
Genome position (GRCh38, 1-based): chr7:124,859,033, T>A on the plus strand (A>T on the coding strand, the complement: POT1 is on the minus strand). VCF-style: chr7-124859033-T-A. GRCh37 (hg19) VCF-style: chr7-124499087-T-A.
Other names: c.233A>T, p.His78Leu (NM_001042594.2); short protein forms H209L, H78L.
Identifiers: ClinVar variation 1752534 (VCV001752534.2), dbSNP rs2116525943, ClinGen allele CA369056402.
Genomic context (GRCh38, chr7:124,859,033, plus strand): 5'-ACATGAACATGGTTATCGTAGACTAAAATGTCTATTGTCAGATTTTGTAGCCGATGGATG[T>A]GACTTAAATCACCTTCAAGAACAAGGTCTTGTATTAAGACTCTCCAAGATGGAAATGGTG-3'
Protein context (NP_056265.2, residues 199-219): QDLVLEGDLS[His209Leu]IHRLQNLTID

ClinVar aggregate classification (germline): Uncertain significance (1 of 4 stars; one submission).

Conditions:
Hereditary cancer-predisposing syndrome. Also called: Hereditary Cancer Syndrome; Hereditary neoplastic syndrome; Neoplastic Syndromes, Hereditary; Tumor predisposition. Identifiers: Orphanet 140162, MedGen C0027672, MeSH D009386, MONDO:0015356.

Submission:

Ambry Genetics
Classification: Uncertain significance for Hereditary cancer-predisposing syndrome. Last evaluated: 2022-02-13. Review status: criteria provided, single submitter. Criteria: Ambry Variant Classification Scheme 2023. Collection method: clinical testing. Allele origin: germline.
Comment: The p.H209L variant (also known as c.626A>T), located in coding exon 5 of the POT1 gene, results from an A to T substitution at nucleotide position 626. The histidine at codon 209 is replaced by leucine, an amino acid with similar properties. This amino acid position is conserved. In addition, this alteration is predicted to be tolerated by in silico analysis. Since supporting evidence is limited at this time, the clinical significance of this alteration remains unclear.